The following is an entry in ClinVar:

ClinVar aggregate classification (germline): Uncertain significance (1 of 4 stars; one submission).

Conditions:
Rhabdoid tumor predisposition syndrome 2 (RTPS2). Identifiers: Orphanet 231108, Orphanet 69077, MedGen C2750074, MONDO:0013224, OMIM 613325.

Submission:

Labcorp Genetics (formerly Invitae), Labcorp
Classification: Uncertain significance for Rhabdoid tumor predisposition syndrome 2. Last evaluated: 2016-11-08. Review status: criteria provided, single submitter. Criteria: Invitae Variant Classification Sherloc (09022015). Collection method: clinical testing. Allele origin: germline.
Comment: In summary, this variant is a novel missense change with uncertain impact on protein function. It has been classified as a Variant of Uncertain Significance. This sequence change replaces proline with alanine at codon 597 of the SMARCA4 protein (p.Pro597Ala). The proline residue is highly conserved and there is a small physicochemical difference between proline and alanine. This variant is not present in population databases (ExAC no frequency) and has not been reported in the literature in individuals with a SMARCA4-related disease. Algorithms developed to predict the effect of missense changes on protein structure and function do not agree on the potential impact of this missense change (SIFT: "Deleterious"; PolyPhen-2: "Benign"; Align-GVGD: "Class C0").

NM_003072.5(SMARCA4):c.1789C>G (p.Pro597Ala)

Gene: SMARCA4 (SWI/SNF related BAF chromatin remodeling complex subunit ATPase 4; plus strand). Cytogenetic location: 19p13.2.
Variant type: single nucleotide variant.
Coding change: c.1789C>G on transcript NM_003072.5 (MANE Select); coding-DNA position 1789, C replaced by G.
Protein change: p.Pro597Ala; replaces proline 597 with alanine.
Molecular consequence: missense variant. On other transcripts: non-coding transcript variant (1).
Genome position (GRCh38, 1-based): chr19:10,996,521, C>G. VCF-style: chr19-10996521-C-G. GRCh37 (hg19) VCF-style: chr19-11107197-C-G.
Other names: c.1789C>G, p.Pro597Ala (NM_001128844.3, NM_001128845.2, NM_001128846.2 and 5 more transcripts); short protein forms P597A.
Identifiers: ClinVar variation 408681 (VCV000408681.8), dbSNP rs1060502097, ClinGen allele CA16616123.